The following is an entry in ClinVar:

ClinVar aggregate classification (germline): Uncertain significance. Review status: criteria provided, multiple submitters, no conflicts (2 of 4 stars). 2 submissions from 2 submitters: Uncertain significance (2). Last evaluated 2026-02-17.

Conditions:
Inborn genetic diseases. Identifiers: MedGen C0950123, MeSH D030342.

Allele frequency attached by ClinVar (database versions not stated): TOPMed below 0.00001; gnomAD exomes 0.00004.
gnomAD v4.1: 36 of 1,120,278 alleles (0.0032%); highest among the groups gnomAD compares: Non-Finnish European, 0.004%; no homozygotes.

Submissions (2):

Ambry Genetics
Classification: Uncertain significance for Inborn genetic diseases. Last evaluated: 2026-02-17. Review status: criteria provided, single submitter. Criteria: Ambry Variant Classification Scheme 2023. Collection method: clinical testing. Allele origin: germline.

Labcorp Genetics (formerly Invitae), Labcorp
Classification: Uncertain significance. Last evaluated: 2022-11-06. Review status: criteria provided, single submitter. Criteria: Invitae Variant Classification Sherloc (09022015). Collection method: clinical testing. Allele origin: germline.
Comment: In summary, the available evidence is currently insufficient to determine the role of this variant in disease. Therefore, it has been classified as a Variant of Uncertain Significance. Advanced modeling of protein sequence and biophysical properties (such as structural, functional, and spatial information, amino acid conservation, physicochemical variation, residue mobility, and thermodynamic stability) performed at Invitae indicates that this missense variant is not expected to disrupt NYX protein function. This variant has not been reported in the literature in individuals affected with NYX-related conditions. The frequency data for this variant in the population databases is considered unreliable, as metrics indicate poor data quality at this position in the gnomAD database. This sequence change replaces alanine, which is neutral and non-polar, with threonine, which is neutral and polar, at codon 156 of the NYX protein (p.Ala156Thr).

NM_001378477.3(NYX):c.451G>A (p.Ala151Thr)

Gene: NYX (nyctalopin; plus strand). Cytogenetic location: Xp11.4.
Variant type: single nucleotide variant.
Coding change: c.451G>A on transcript NM_001378477.3 (MANE Select); coding-DNA position 451, G replaced by A.
Protein change: p.Ala151Thr; replaces alanine 151 with threonine.
Molecular consequence: missense variant.
Genome position (GRCh38, 1-based): chrX:41,473,919, G>A. VCF-style: chrX-41473919-G-A. GRCh37 (hg19) VCF-style: chrX-41333172-G-A.
Other names: c.451G>A, p.Ala151Thr (NM_022567.3); c.466G>A (NM_022567.2); short protein forms A151T.
Identifiers: ClinVar variation 2762685 (VCV002762685.4), dbSNP rs763908216, ClinGen allele CA10389824.